The following is an entry in ClinVar:

ClinVar aggregate classification (germline): Conflicting classifications of pathogenicity. Review status: criteria provided, conflicting classifications (1 of 4 stars). 7 submissions from 7 submitters: Uncertain significance (2); Likely benign (3). 2 of the submissions do not count toward it. Last evaluated 2025-07-29.

Conditions:
Cardiac arrhythmia. Also called: Arrhythmia; Cardiac rhythm disease. Identifiers: MedGen C0003811, MONDO:0007263, HP:0011675.
Long QT syndrome (LQTS). Identifiers: MedGen C0023976, MeSH D008133, MONDO:0002442. Disease mechanism: loss of function. Inheritance: Various modes of inheritance.

Allele frequency attached by ClinVar (database versions not stated): ExAC 0.00001; gnomAD 0.00002; gnomAD exomes 0.00003 and 0.00001; TOPMed 0.00001.

Submissions (7):

Labcorp Genetics (formerly Invitae), Labcorp
Classification: Uncertain significance for Long QT syndrome. Last evaluated: 2025-07-29. Review status: criteria provided, single submitter. Criteria: Invitae Variant Classification Sherloc (09022015). Collection method: clinical testing. Allele origin: germline.
Comment: This sequence change replaces methionine, which is neutral and non-polar, with valine, which is neutral and non-polar, at codon 1613 of the AKAP9 protein (p.Met1613Val). This variant is present in population databases (rs193922723, gnomAD 0.0009%). This variant has not been reported in the literature in individuals affected with AKAP9-related conditions. ClinVar contains an entry for this variant (Variation ID: 35670). An algorithm developed to predict the effect of missense changes on protein structure and function (PolyPhen-2) suggests that this variant is likely to be disruptive. In summary, the available evidence is currently insufficient to determine the role of this variant in disease. Therefore, it has been classified as a Variant of Uncertain Significance.

Blueprint Genetics
Classification: Likely benign. Last evaluated: 2024-09-27. Review status: criteria provided, single submitter. Criteria: ACMG Guidelines, 2015. Collection method: clinical testing. Allele origin: germline.

GeneDx
Classification: Likely benign. Last evaluated: 2020-09-30. Review status: criteria provided, single submitter. Criteria: GeneDx Variant Classification Process June 2021. Collection method: clinical testing. Allele origin: germline. Affected: yes.
Comment: In silico analysis, which includes protein predictors and evolutionary conservation, supports that this variant does not alter protein structure/function; Has not been previously published as pathogenic or benign to our knowledge

Genomic Diagnostic Laboratory, Division of Genomic Diagnostics, Children's Hospital of Philadelphia
Classification: Uncertain significance. Last evaluated: 2015-07-10. Review status: criteria provided, single submitter. Criteria: DGD Variant Analysis Guidelines. Collection method: clinical testing. Allele origin: unknown.

Women's Health and Genetics/Laboratory Corporation of America, LabCorp
Classification: Likely benign for Arrhythmia. Last evaluated: 2011-08-18. Review status: criteria provided, single submitter. Criteria: LabCorp Variant Classification Summary - May 2015. Collection method: curation. Allele origin: germline. Inheritance: autosomal unknown. Affected: yes. Observed: 2 variant alleles.
ClinVar note: Converted during submission from likely benign to Likely benign.

Clinical Genetics DNA and cytogenetics Diagnostics Lab, Erasmus MC, Erasmus Medical Center
Classification: Uncertain significance. Review status: no assertion criteria provided. Collection method: clinical testing. Allele origin: germline. Affected: yes. Study: VKGL Data-share Consensus. Not counted in ClinVar's aggregate classification.

Clinical Genetics, Academic Medical Center
Classification: Uncertain significance. Review status: no assertion criteria provided. Collection method: clinical testing. Allele origin: germline. Affected: yes. Study: VKGL Data-share Consensus. Not counted in ClinVar's aggregate classification.

NM_005751.5(AKAP9):c.4837A>G (p.Met1613Val)

Gene: AKAP9 (A-kinase anchoring protein 9; plus strand). Cytogenetic location: 7q21.2.
Variant type: single nucleotide variant.
Coding change: c.4837A>G on transcript NM_005751.5 (MANE Select); coding-DNA position 4837, A replaced by G.
Protein change: p.Met1613Val; replaces methionine 1613 with valine.
Molecular consequence: missense variant.
Genome position (GRCh38, 1-based): chr7:92,040,818, A>G. VCF-style: chr7-92040818-A-G. GRCh37 (hg19) VCF-style: chr7-91670132-A-G.
Other names: c.4837A>G, p.Met1613Val (NM_147185.3); short protein forms M1613V.
Identifiers: ClinVar variation 35670 (VCV000035670.20), dbSNP rs193922723, ClinGen allele CA213516.